The following is an entry in ClinVar:

NM_001042492.3(NF1):c.5335del (p.Phe1778_Leu1779insTer)

Gene: NF1 (neurofibromin 1; plus strand). Cytogenetic location: 17q11.2.
Variant type: Deletion.
Coding change: c.5335del on transcript NM_001042492.3 (MANE Select); coding-DNA position 5335, one base deleted (C; older notation c.5335delC).
Protein change: p.Phe1778_Leu1779insTer.
Molecular consequence: nonsense. On other transcripts: frameshift variant (1).
Genome position (GRCh38, 1-based): chr17:31,327,565, C deleted. VCF-style (leftmost placement, unchanged base first): chr17-31327564-TC-T. GRCh37 (hg19) VCF-style: chr17-29654582-TC-T.
Other names: c.5272delC, p.Leu1758Terfs (NM_000267.4).
Identifiers: ClinVar variation 2443188 (VCV002443188.2), dbSNP rs2508705886, ClinGen allele CA2580093257.

ClinVar aggregate classification (germline): Pathogenic (0 of 4 stars; one submission).

Submission:

Genetic Services Laboratory, University of Chicago
Classification: Pathogenic. Last evaluated: 2022-02-21. Review status: no assertion criteria provided. Collection method: clinical testing. Allele origin: germline. Affected: yes.
Comment: DNA sequence analysis of the NF1 gene demonstrated an insertion/deletion variant, c.5272_5274delinsTT, which results in the creation of a frameshift and premature termination codon, p.Asn1759Metfs*14. This sequence change is predicted to result in an abnormal transcript, which may be degraded, or may lead to the production of a truncated NF1 protein with potentially abnormal function. This sequence change has not been described in the population databases such as ExAC and gnomAD and also does not appear to have been described in other patients with Neurofibromatosis.